The following is an entry in ClinVar:

NM_004562.3(PRKN):c.755A>T (p.Gln252Leu)

Gene: PRKN (parkin RBR E3 ubiquitin protein ligase; minus strand). Cytogenetic location: 6q26.
Variant type: single nucleotide variant.
Coding change: c.755A>T on transcript NM_004562.3 (MANE Select); coding-DNA position 755, A replaced by T.
Protein change: p.Gln252Leu; replaces glutamine 252 with leucine.
Molecular consequence: missense variant.
Genome position (GRCh38, 1-based): chr6:161,785,888, T>A on the plus strand (A>T on the coding strand, the complement: PRKN is on the minus strand). VCF-style: chr6-161785888-T-A. GRCh37 (hg19) VCF-style: chr6-162206920-T-A.
Other names: c.671A>T, p.Gln224Leu (NM_013987.3); c.308A>T, p.Gln103Leu (NM_013988.3); short protein forms Q252L, Q103L, Q224L.
Identifiers: ClinVar variation 840622 (VCV000840622.9), dbSNP rs1790398298, ClinGen allele CA366465685.

ClinVar aggregate classification (germline): Uncertain significance (1 of 4 stars; one submission).

Allele frequency attached by ClinVar (database versions not stated): TOPMed below 0.00001; gnomAD 0.00001.
gnomAD v4.1: 1 of 1,614,012 alleles (0.000062%); highest among the groups gnomAD compares: African/African-American, 0.0013%; no homozygotes.

Submission:

Labcorp Genetics (formerly Invitae), Labcorp
Classification: Uncertain significance. Last evaluated: 2019-02-20. Review status: criteria provided, single submitter. Criteria: Invitae Variant Classification Sherloc (09022015). Collection method: clinical testing. Allele origin: germline.
Comment: In summary, the available evidence is currently insufficient to determine the role of this variant in disease. Therefore, it has been classified as a Variant of Uncertain Significance. Algorithms developed to predict the effect of missense changes on protein structure and function (SIFT, PolyPhen-2, Align-GVGD) all suggest that this variant is likely to be tolerated, but these predictions have not been confirmed by published functional studies and their clinical significance is uncertain. This variant has not been reported in the literature in individuals with PRKN-related conditions. This variant is not present in population databases (ExAC no frequency). This sequence change replaces glutamine with leucine at codon 252 of the PRKN protein (p.Gln252Leu). The glutamine residue is moderately conserved and there is a moderate physicochemical difference between glutamine and leucine.